The following is an entry in ClinVar:

ClinVar aggregate classification (germline): Uncertain significance. Review status: criteria provided, multiple submitters, no conflicts (2 of 4 stars). 2 submissions from 2 submitters: Uncertain significance (2). Last evaluated 2025-05-15.

Conditions:
Catecholaminergic polymorphic ventricular tachycardia 1. Also called: VENTRICULAR TACHYCARDIA, CATECHOLAMINERGIC POLYMORPHIC, 1, WITH OR WITHOUT ATRIAL DYSFUNCTION AND/OR DILATED CARDIOMYOPATHY; RYR2-Related Catecholaminergic Polymorphic Ventricular Tachycardia; VENTRICULAR TACHYCARDIA, STRESS-INDUCED POLYMORPHIC 1. Identifiers: Orphanet 3286, MedGen C1631597, MONDO:0011484, OMIM 604772.

Submissions (2):

Labcorp Genetics (formerly Invitae), Labcorp
Classification: Uncertain significance for Catecholaminergic polymorphic ventricular tachycardia 1. Last evaluated: 2025-05-15. Review status: criteria provided, single submitter. Criteria: Invitae Variant Classification Sherloc (09022015). Collection method: clinical testing. Allele origin: germline.
Comment: This sequence change falls in intron 80 of the RYR2 gene. It does not directly change the encoded amino acid sequence of the RYR2 protein. It affects a nucleotide within the consensus splice site. This variant is not present in population databases (gnomAD no frequency). This variant has not been reported in the literature in individuals affected with RYR2-related conditions. ClinVar contains an entry for this variant (Variation ID: 1064039). Variants that disrupt the consensus splice site are a relatively common cause of aberrant splicing (PMID: 17576681, 9536098). Algorithms developed to predict the effect of sequence changes on RNA splicing suggest that this variant may disrupt the consensus splice site. In summary, the available evidence is currently insufficient to determine the role of this variant in disease. Therefore, it has been classified as a Variant of Uncertain Significance.

GeneDx
Classification: Uncertain significance. Last evaluated: 2019-08-06. Review status: criteria provided, single submitter. Criteria: GeneDx Variant Classification Process June 2021. Collection method: clinical testing. Allele origin: germline. Affected: yes.
Comment: Has not been previously published as pathogenic or benign to our knowledge; Not observed in large population cohorts (Lek et al., 2016); In silico analysis, which includes splice predictors and evolutionary conservation, supports a deleterious effect

Literature cited by the submitters: PubMed 17576681 (cited by Labcorp Genetics (formerly Invitae), Labcorp); PubMed 9536098 (cited by Labcorp Genetics (formerly Invitae), Labcorp).

NM_001035.3(RYR2):c.11145+5G>A

Gene: RYR2 (ryanodine receptor 2; plus strand). Cytogenetic location: 1q43.
Variant type: single nucleotide variant.
Coding change: c.11145+5G>A on transcript NM_001035.3 (MANE Select); 5 bases into the intron after coding-DNA position 11145, G replaced by A.
Molecular consequence: intron variant.
Genome position (GRCh38, 1-based): chr1:237,742,354, G>A. VCF-style: chr1-237742354-G-A. GRCh37 (hg19) VCF-style: chr1-237905654-G-A.
Identifiers: ClinVar variation 1064039 (VCV001064039.10), dbSNP rs1691689283, ClinGen allele CA2487465701.